The following is an entry in ClinVar:

ClinVar aggregate classification (germline): Uncertain significance (1 of 4 stars; one submission).

Submission:

Ambry Genetics
Classification: Uncertain significance. Last evaluated: 2021-10-30. Review status: criteria provided, single submitter. Criteria: Ambry Variant Classification Scheme 2023. Collection method: clinical testing. Allele origin: germline.
Comment: The p.R476P variant (also known as c.1427G>C), located in coding exon 6 of the PALLD gene, results from a G to C substitution at nucleotide position 1427. The arginine at codon 476 is replaced by proline, an amino acid with dissimilar properties. This amino acid position is conserved. In addition, this alteration is predicted to be deleterious by in silico analysis. Since supporting evidence is limited at this time, the clinical significance of this alteration remains unclear.

NM_001166108.2(PALLD):c.1427G>C (p.Arg476Pro)

Gene: PALLD (palladin, cytoskeletal associated protein; plus strand). Cytogenetic location: 4q32.3.
Variant type: single nucleotide variant.
Coding change: c.1427G>C on transcript NM_001166108.2 (MANE Select); coding-DNA position 1427, G replaced by C.
Protein change: p.Arg476Pro; replaces arginine 476 with proline.
Molecular consequence: missense variant.
Genome position (GRCh38, 1-based): chr4:168,690,694, G>C. VCF-style: chr4-168690694-G-C. GRCh37 (hg19) VCF-style: chr4-169611845-G-C.
Other names: c.281G>C, p.Arg94Pro (NM_001166109.2); c.1427G>C, p.Arg476Pro (NM_016081.4); short protein forms R94P, R476P.
Identifiers: ClinVar variation 1772402 (VCV001772402.2), dbSNP rs768538351, ClinGen allele CA358795862.
Genomic context (GRCh38, chr4:168,690,694, plus strand): 5'-AGGTGGTGGTTCTGGAGTGCCGGGTCCGTGGGGCACCCCCTCTGCAGGTCCAGTGGTTTC[G>C]GCAAGGGAGTGAAATCCAAGACTCTCCAGATTTCCGAATTCTACAGAAAAGTAAGGAGAA-3'
Protein context (NP_001159580.1, residues 466-486): GAPPLQVQWF[Arg476Pro]QGSEIQDSPD